The following is an entry in ClinVar:

NM_000138.5(FBN1):c.2966dup (p.Thr990fs)

Gene: FBN1 (fibrillin 1; minus strand). Cytogenetic location: 15q21.1.
Variant type: Duplication.
Coding change: c.2966dup on transcript NM_000138.5 (MANE Select); coding-DNA position 2966, one base duplicated (G; older notation c.2966dupG).
Protein change: p.Thr990fs; shifts the reading frame from threonine 990.
Molecular consequence: frameshift variant.
Genome position (GRCh38, 1-based): chr15:48,489,967, C duplicated on the plus strand (G on the coding strand, the reverse complement: FBN1 is on the minus strand); the first of 4 consecutive C bases (chr15:48,489,967-48,489,970); duplicating any one gives the same sequence. VCF-style (leftmost placement, unchanged base first): chr15-48489966-A-AC. GRCh37 (hg19) VCF-style: chr15-48782163-A-AC.
Other names: c.2963dup, p.Thr990Tyrfs (NM_001406716.1); short protein forms T990fs.
Identifiers: ClinVar variation 2065597 (VCV002065597.4), dbSNP rs2505558156, ClinGen allele CA2580089550.

ClinVar aggregate classification (germline): Pathogenic (1 of 4 stars; one submission).

Conditions:
Familial thoracic aortic aneurysm and aortic dissection (TAAD). Also called: Thoracic aortic aneurysms and dissections. Identifiers: Orphanet 91387, MedGen C4707243, MONDO:0019625.
Marfan syndrome (MFS). Also called: MARFAN SYNDROME, TYPE I; Marfan syndrome type 1; Marfan's syndrome; Marfan syndrome, classic; FBN1-Related Marfan Syndrome. Identifiers: Orphanet 284963, Orphanet 558, MedGen C0024796, MONDO:0007947, OMIM 154700.

Submission:

Labcorp Genetics (formerly Invitae), Labcorp
Classification: Pathogenic for Marfan syndrome; Familial thoracic aortic aneurysm and aortic dissection. Last evaluated: 2021-12-29. Review status: criteria provided, single submitter. Criteria: Invitae Variant Classification Sherloc (09022015). Collection method: clinical testing. Allele origin: germline.
Comment: This sequence change creates a premature translational stop signal (p.Thr990Tyrfs*2) in the FBN1 gene. It is expected to result in an absent or disrupted protein product. Loss-of-function variants in FBN1 are known to be pathogenic (PMID: 17657824, 19293843). This variant is not present in population databases (gnomAD no frequency). This variant has not been reported in the literature in individuals affected with FBN1-related conditions. Algorithms developed to predict the effect of sequence changes on RNA splicing suggest that this variant may create or strengthen a splice site. For these reasons, this variant has been classified as Pathogenic.

Literature cited by the submitters: PubMed 17657824; PubMed 19293843.